The following is an entry in ClinVar:

ClinVar aggregate classification (germline): Conflicting classifications of pathogenicity. Review status: criteria provided, conflicting classifications (1 of 4 stars). 4 submissions from 4 submitters: Uncertain significance (3); Likely benign (1). Last evaluated 2025-02-05.

Conditions:
Inborn genetic diseases. Identifiers: MedGen C0950123, MeSH D030342.
FOXRED1-related disorder. Also called: FOXRED1-related condition.

Allele frequency attached by ClinVar (database versions not stated): ExAC 0.00004; gnomAD exomes 0.00005; gnomAD 0.00013 and 0.00015; ESP Exome Variant Server 0.00015; TOPMed 0.00020.
gnomAD v4.1: 63 of 1,613,604 alleles (0.0039%); highest among the groups gnomAD compares: African/African-American, 0.072%; 1 homozygote.

Submissions (4):

PreventionGenetics, part of Exact Sciences
Classification: Likely benign for FOXRED1-related condition. Last evaluated: 2025-02-05. Review status: criteria provided, single submitter. Criteria: ACMG Guidelines, 2015. Collection method: clinical testing. Allele origin: germline.
Comment: This variant is classified as likely benign based on ACMG/AMP sequence variant interpretation guidelines (Richards et al. 2015 PMID: 25741868, with internal and published modifications).

Ambry Genetics
Classification: Uncertain significance for Inborn genetic diseases. Last evaluated: 2024-09-25. Review status: criteria provided, single submitter. Criteria: Ambry Variant Classification Scheme 2023. Collection method: clinical testing. Allele origin: germline.

Labcorp Genetics (formerly Invitae), Labcorp
Classification: Uncertain significance. Last evaluated: 2022-08-10. Review status: criteria provided, single submitter. Criteria: Invitae Variant Classification Sherloc (09022015). Collection method: clinical testing. Allele origin: germline.
Comment: This sequence change replaces valine, which is neutral and non-polar, with methionine, which is neutral and non-polar, at codon 387 of the FOXRED1 protein (p.Val387Met). This variant is present in population databases (rs150827018, gnomAD 0.06%). This variant has not been reported in the literature in individuals affected with FOXRED1-related conditions. ClinVar contains an entry for this variant (Variation ID: 1479123). Advanced modeling of protein sequence and biophysical properties (such as structural, functional, and spatial information, amino acid conservation, physicochemical variation, residue mobility, and thermodynamic stability) performed at Invitae indicates that this missense variant is expected to disrupt FOXRED1 protein function. Algorithms developed to predict the effect of sequence changes on RNA splicing suggest that this variant may disrupt the consensus splice site. In summary, the available evidence is currently insufficient to determine the role of this variant in disease. Therefore, it has been classified as a Variant of Uncertain Significance.

Breakthrough Genomics
Classification: Uncertain significance. Review status: criteria provided, single submitter. Criteria: ACMG Guidelines, 2015. Collection method: not provided. Allele origin: germline. Inheritance: Autosomal recessive inheritance. Affected: yes.

NM_017547.4(FOXRED1):c.1159G>A (p.Val387Met)

Gene: FOXRED1 (FAD dependent oxidoreductase domain containing 1; plus strand). Cytogenetic location: 11q24.2.
Variant type: single nucleotide variant.
Coding change: c.1159G>A on transcript NM_017547.4 (MANE Select); coding-DNA position 1159, G replaced by A.
Protein change: p.Val387Met; replaces valine 387 with methionine.
Molecular consequence: missense variant. On other transcripts: non-coding transcript variant (2).
Genome position (GRCh38, 1-based): chr11:126,277,128, G>A. VCF-style: chr11-126277128-G-A. GRCh37 (hg19) VCF-style: chr11-126147023-G-A.
Other names: c.1159G>A (NM_017547.3); short protein forms V387M.
Identifiers: ClinVar variation 1479123 (VCV001479123.6), dbSNP rs150827018, ClinGen allele CA6354386.